The following is an entry in ClinVar:

NM_183357.3(ADCY5):c.3375C>T (p.Ile1125=)

Gene: ADCY5 (adenylate cyclase 5; minus strand). Cytogenetic location: 3q21.1.
Variant type: single nucleotide variant.
Coding change: c.3375C>T on transcript NM_183357.3 (MANE Select); coding-DNA position 3375, C replaced by T.
Protein change: p.Ile1125=; no amino-acid change (isoleucine 1125 retained).
Molecular consequence: synonymous variant.
Genome position (GRCh38, 1-based): chr3:123,289,907, G>A on the plus strand (C>T on the coding strand, the complement: ADCY5 is on the minus strand). VCF-style: chr3-123289907-G-A. GRCh37 (hg19) VCF-style: chr3-123008754-G-A.
Other names: c.2325C>T, p.Ile775= (NM_001199642.1); c.3450C>T, p.Ile1150= (NM_001378259.1).
Identifiers: ClinVar variation 703755 (VCV000703755.27), dbSNP rs113566464, ClinGen allele CA2576783.

ClinVar aggregate classification (germline): Benign/Likely benign. Review status: criteria provided, multiple submitters, no conflicts (2 of 4 stars). 8 submissions from 6 submitters: Benign (4); Likely benign (4). Last evaluated 2026-07-01.

Conditions:
Dyskinesia with orofacial involvement, autosomal recessive. Identifiers: MedGen C5562036, MONDO:0030625, OMIM 619647.
Neurodevelopmental disorder with hyperkinetic movements and dyskinesia. Identifiers: MedGen C5562038, MONDO:0859211, OMIM 619651.
Dyskinesia with orofacial involvement, autosomal dominant (DSKOD). Also called: Familial Dyskinesia with Facial Myokymia (FDFM); Familial dyskinesia and facial myokymia; Dyskinesia, familial, with facial myokymia. Identifiers: Orphanet 324588, MedGen C1847627, MONDO:0800028, OMIM 606703.

Allele frequency attached by ClinVar (database versions not stated): gnomAD exomes 0.00095; ExAC 0.00111; gnomAD 0.00327 and 0.00342; TOPMed 0.00374; ESP Exome Variant Server 0.00392; 1000 Genomes Project 30x 0.00437; 1000 Genomes Project 0.00459.
gnomAD v4.1: 969 of 1,614,198 alleles (0.06%); highest among the groups gnomAD compares: African/African-American, 1.1%; 10 homozygotes.

Submissions (8):

CeGaT Center for Human Genetics Tuebingen
Classification: Likely benign. Last evaluated: 2026-07-01. Review status: criteria provided, single submitter. Criteria: CeGaT Center For Human Genetics Tuebingen Variant Classification Criteria Version 2. Collection method: clinical testing. Allele origin: germline. Affected: yes. Observed: 4 variant alleles.
Comment: ADCY5: BP4, BP7, BS1

Labcorp Genetics (formerly Invitae), Labcorp
Classification: Benign. Last evaluated: 2025-12-17. Review status: criteria provided, single submitter. Criteria: Invitae Variant Classification Sherloc (09022015). Collection method: clinical testing. Allele origin: germline.

Blueprint Genetics
Classification: Likely benign. Last evaluated: 2024-10-09. Review status: criteria provided, single submitter. Criteria: ACMG Guidelines, 2015. Collection method: clinical testing. Allele origin: germline.

Fulgent Genetics
Classification: Likely benign for Dyskinesia with orofacial involvement, autosomal dominant; Dyskinesia with orofacial involvement, autosomal recessive; Neurodevelopmental disorder with hyperkinetic movements and dyskinesia. Last evaluated: 2022-05-17. Review status: criteria provided, single submitter. Criteria: ACMG Guidelines, 2015. Collection method: clinical testing. Allele origin: unknown.

Genome-Nilou Lab
Classification: Benign for Dyskinesia with orofacial involvement, autosomal dominant. Last evaluated: 2021-12-05. Review status: criteria provided, single submitter. Criteria: ACMG Guidelines, 2015. Collection method: clinical testing. Allele origin: germline. Affected: no.

Genome-Nilou Lab
Classification: Benign for Dyskinesia with orofacial involvement, autosomal recessive. Last evaluated: 2021-12-05. Review status: criteria provided, single submitter. Criteria: ACMG Guidelines, 2015. Collection method: clinical testing. Allele origin: germline. Affected: no.

Genome-Nilou Lab
Classification: Benign for Neurodevelopmental disorder with hyperkinetic movements and dyskinesia. Last evaluated: 2021-12-05. Review status: criteria provided, single submitter. Criteria: ACMG Guidelines, 2015. Collection method: clinical testing. Allele origin: germline. Affected: no.

GeneDx
Classification: Likely benign. Last evaluated: 2020-01-22. Review status: criteria provided, single submitter. Criteria: GeneDx Variant Classification Process June 2021. Collection method: clinical testing. Allele origin: germline. Affected: yes.